The following is an entry in ClinVar:

NM_001903.5(CTNNA1):c.1534T>C (p.Leu512=)

Gene: CTNNA1 (catenin alpha 1; plus strand). Cytogenetic location: 5q31.2.
Variant type: single nucleotide variant.
Coding change: c.1534T>C on transcript NM_001903.5 (MANE Select); coding-DNA position 1534, T replaced by C.
Protein change: p.Leu512=; no amino-acid change (leucine 512 retained).
Molecular consequence: synonymous variant.
Genome position (GRCh38, 1-based): chr5:138,917,886, T>C. VCF-style: chr5-138917886-T-C. GRCh37 (hg19) VCF-style: chr5-138253575-T-C.
Other names: c.181T>C, p.Leu61= (NM_001324013.1, NM_001324012.1); c.1534T>C, p.Leu512= (NM_001290307.3, NM_001323982.2, NM_001323983.1 and 2 more transcripts); c.1225T>C, p.Leu409= (NM_001290309.3); c.1165T>C, p.Leu389= (NM_001290310.3); c.424T>C, p.Leu142= (NM_001290312.1, NM_001323987.1, NM_001323988.1 and 17 more transcripts); c.1441T>C, p.Leu481= (NM_001323986.2); c.85T>C, p.Leu29= (NM_001324006.1, NM_001324007.1, NM_001324008.1 and 2 more transcripts); c.331T>C, p.Leu111= (NM_001324011.1).
Identifiers: ClinVar variation 1104594 (VCV001104594.12), dbSNP rs1028798753, ClinGen allele CA128260585.

ClinVar aggregate classification (germline): Benign/Likely benign. Review status: criteria provided, multiple submitters, no conflicts (2 of 4 stars). 3 submissions from 3 submitters: Benign (1); Likely benign (2). Last evaluated 2026-01-31.

Conditions:
Hereditary cancer-predisposing syndrome. Also called: Neoplastic Syndromes, Hereditary; Hereditary neoplastic syndrome; Hereditary Cancer Syndrome; Tumor predisposition. Identifiers: Orphanet 140162, MedGen C0027672, MeSH D009386, MONDO:0015356.
Hereditary diffuse gastric adenocarcinoma (HDGC). Also called: DIFFUSE GASTRIC AND LOBULAR BREAST CANCER SYNDROME. Identifiers: Orphanet 26106, MedGen C1708349, MONDO:0007648, OMIM 137215.

gnomAD v4.1: 7 of 1,614,110 alleles (0.00043%); highest among the groups gnomAD compares: East Asian, 0.016%; no homozygotes.

Submissions (3):

Labcorp Genetics (formerly Invitae), Labcorp
Classification: Likely benign. Last evaluated: 2026-01-31. Review status: criteria provided, single submitter. Criteria: Invitae Variant Classification Sherloc (09022015). Collection method: clinical testing. Allele origin: germline.

Myriad Genetics, Inc.
Classification: Benign for Hereditary diffuse gastric adenocarcinoma. Last evaluated: 2024-10-11. Review status: criteria provided, single submitter. Criteria: Myriad Autosomal Dominant, Autosomal Recessive and X-Linked Classification Criteria (2023). Collection method: clinical testing. Allele origin: unknown.
Comment: This variant is considered benign. This variant is a silent/synonymous amino acid change and it is not expected to impact splicing.

Ambry Genetics
Classification: Likely benign for Hereditary cancer-predisposing syndrome. Last evaluated: 2022-06-20. Review status: criteria provided, single submitter. Criteria: Ambry Variant Classification Scheme 2023. Collection method: clinical testing. Allele origin: germline.